The following is an entry in ClinVar:

NM_001322934.2(NFKB2):c.1261G>T (p.Ala421Ser)

Genes: NFKB2 (nuclear factor kappa B subunit 2; plus strand), LOC130004599 (ATAC-STARR-seq lymphoblastoid silent region 2756; plus strand). Cytogenetic location: 10q24.32.
Variant type: single nucleotide variant.
Coding change: c.1261G>T on transcript NM_001322934.2 (MANE Select); coding-DNA position 1261, G replaced by T.
Protein change: p.Ala421Ser; replaces alanine 421 with serine.
Molecular consequence: missense variant.
Genome position (GRCh38, 1-based): chr10:102,399,431, G>T. VCF-style: chr10-102399431-G-T. GRCh37 (hg19) VCF-style: chr10-104159188-G-T.
Other names: c.1261G>T, p.Ala421Ser (NM_001077494.3, NM_001261403.3, NM_001288724.1 and 1 more transcripts); c.1135G>T, p.Ala379Ser (NM_001322935.1); short protein forms A379S, A421S.
Identifiers: ClinVar variation 3722698 (VCV003722698.2).

ClinVar aggregate classification (germline): Uncertain significance (1 of 4 stars; one submission).

Conditions:
Immunodeficiency, common variable, 10. Also called: IMMUNODEFICIENCY, COMMON VARIABLE, WITH CENTRAL ADRENAL INSUFFICIENCY; DEFICIT IN ANTERIOR PITUITARY FUNCTION AND VARIABLE IMMUNODEFICIENCY. Identifiers: MedGen C3809991, MONDO:0014260, OMIM 615577.

gnomAD v4.1: 1 of 1,520,116 alleles (0.000066%); no homozygotes.

Submission:

Labcorp Genetics (formerly Invitae), Labcorp
Classification: Uncertain significance for Immunodeficiency, common variable, 10. Last evaluated: 2024-10-10. Review status: criteria provided, single submitter. Criteria: Invitae Variant Classification Sherloc (09022015). Collection method: clinical testing. Allele origin: germline.
Comment: This sequence change replaces alanine, which is neutral and non-polar, with serine, which is neutral and polar, at codon 421 of the NFKB2 protein (p.Ala421Ser). This variant is not present in population databases (gnomAD no frequency). This variant has not been reported in the literature in individuals affected with NFKB2-related conditions. An algorithm developed to predict the effect of missense changes on protein structure and function (PolyPhen-2) suggests that this variant is likely to be tolerated. In summary, the available evidence is currently insufficient to determine the role of this variant in disease. Therefore, it has been classified as a Variant of Uncertain Significance.